The following is an entry in ClinVar:

NM_000434.4(NEU1):c.968T>C (p.Val323Ala)

Gene: NEU1 (neuraminidase 1; minus strand). Cytogenetic location: 6p21.33.
Variant type: single nucleotide variant.
Coding change: c.968T>C on transcript NM_000434.4 (MANE Select); coding-DNA position 968, T replaced by C.
Protein change: p.Val323Ala; replaces valine 323 with alanine.
Molecular consequence: missense variant.
Genome position (GRCh38, 1-based): chr6:31,860,095, A>G on the plus strand (T>C on the coding strand, the complement: NEU1 is on the minus strand). VCF-style: chr6-31860095-A-G. GRCh37 (hg19) VCF-style: chr6-31827872-A-G.
Other names: short protein forms V323A.
Identifiers: ClinVar variation 2421876 (VCV002421876.3), dbSNP rs1762444320, ClinGen allele CA363487531.

ClinVar aggregate classification (germline): Uncertain significance (1 of 4 stars; one submission).

Allele frequency attached by ClinVar (database versions not stated): gnomAD exomes below 0.00001; gnomAD 0.00001.
gnomAD v4.1: 7 of 1,612,848 alleles (0.00043%); highest among the groups gnomAD compares: Non-Finnish European, 0.00059%; no homozygotes.

Submission:

Labcorp Genetics (formerly Invitae), Labcorp
Classification: Uncertain significance. Last evaluated: 2021-09-24. Review status: criteria provided, single submitter. Criteria: Invitae Variant Classification Sherloc (09022015). Collection method: clinical testing. Allele origin: germline.
Comment: This sequence change replaces valine with alanine at codon 323 of the NEU1 protein (p.Val323Ala). The valine residue is moderately conserved and there is a small physicochemical difference between valine and alanine. This variant is not present in population databases (ExAC no frequency). This variant has not been reported in the literature in individuals with NEU1-related conditions. Algorithms developed to predict the effect of missense changes on protein structure and function are either unavailable or do not agree on the potential impact of this missense change (SIFT: "Deleterious"; PolyPhen-2: "Benign"; Align-GVGD: "Class C25"). In summary, the available evidence is currently insufficient to determine the role of this variant in disease. Therefore, it has been classified as a Variant of Uncertain Significance.